The following is an entry in ClinVar:

ClinVar aggregate classification (germline): Pathogenic (1 of 4 stars; one submission).

Conditions:
Fanconi anemia (FA). Also called: Fanconi's anemia. Identifiers: Orphanet 84, MedGen C0015625, MeSH D005199, MONDO:0019391.

Submission:

Labcorp Genetics (formerly Invitae), Labcorp
Classification: Pathogenic for Fanconi anemia. Last evaluated: 2024-08-28. Review status: criteria provided, single submitter. Criteria: Invitae Variant Classification Sherloc (09022015). Collection method: clinical testing. Allele origin: germline.
Comment: This sequence change creates a premature translational stop signal (p.Asn267Leufs*28) in the FANCC gene. It is expected to result in an absent or disrupted protein product. Loss-of-function variants in FANCC are known to be pathogenic (PMID: 17924555). This variant is not present in population databases (gnomAD no frequency). This variant has not been reported in the literature in individuals affected with FANCC-related conditions. For these reasons, this variant has been classified as Pathogenic.

Literature cited by the submitters: PubMed 17924555.

NM_000136.3(FANCC):c.799_800del (p.Asn267fs)

Genes: AOPEP (aminopeptidase O (putative); plus strand), FANCC (FA complementation group C; minus strand). Cytogenetic location: 9q22.32.
Variant type: Deletion.
Coding change: c.799_800del on transcript NM_000136.3 (MANE Select); coding-DNA positions 799 to 800, 2 bases deleted (AA; older notation c.799_800delAA).
Protein change: p.Asn267fs; shifts the reading frame from asparagine 267.
Molecular consequence: frameshift variant.
Genome position (GRCh38, 1-based): chr9:95,135,389-95,135,390, TT deleted on the plus strand (AA on the coding strand, the reverse complement: FANCC is on the minus strand); deleting any 2 consecutive bases within chr9:95,135,389-95,135,391 gives the same sequence; the c. name uses the placement nearest the transcript's 3' end. VCF-style (leftmost placement, unchanged base first): chr9-95135388-ATT-A. GRCh37 (hg19) VCF-style: chr9-97897670-ATT-A.
Other names: c.799_800del, p.Asn267fs (NM_001243743.2, NM_001243744.2); short protein forms N267fs.
Identifiers: ClinVar variation 3674250 (VCV003674250.2).